The following is an entry in ClinVar:

NM_000257.4(MYH7):c.3777C>A (p.His1259Gln)

Gene: MYH7 (myosin heavy chain 7; minus strand). Cytogenetic location: 14q11.2.
Variant type: single nucleotide variant.
Coding change: c.3777C>A on transcript NM_000257.4 (MANE Select); coding-DNA position 3777, C replaced by A.
Protein change: p.His1259Gln; replaces histidine 1259 with glutamine.
Molecular consequence: missense variant.
Genome position (GRCh38, 1-based): chr14:23,419,559, G>T on the plus strand (C>A on the coding strand, the complement: MYH7 is on the minus strand). VCF-style: chr14-23419559-G-T. GRCh37 (hg19) VCF-style: chr14-23888768-G-T.
Other names: c.3777C>A, p.His1259Gln (NM_001407004.1); short protein forms H1259Q.
Identifiers: ClinVar variation 3636012 (VCV003636012.2).

ClinVar aggregate classification (germline): Uncertain significance (1 of 4 stars; one submission).

Conditions:
Hypertrophic cardiomyopathy. Also called: HYPERTROPHIC MYOCARDIOPATHY. Identifiers: Orphanet 217569, MedGen C0007194, MeSH D002312, MONDO:0005045, HP:0001639.

gnomAD v4.1: 4 of 1,613,892 alleles (0.00025%); highest among the groups gnomAD compares: Non-Finnish European, 0.00034%; no homozygotes.

Submission:

Labcorp Genetics (formerly Invitae), Labcorp
Classification: Uncertain significance for Hypertrophic cardiomyopathy. Last evaluated: 2024-04-15. Review status: criteria provided, single submitter. Criteria: Invitae Variant Classification Sherloc (09022015). Collection method: clinical testing. Allele origin: germline.
Comment: This sequence change replaces histidine, which is basic and polar, with glutamine, which is neutral and polar, at codon 1259 of the MYH7 protein (p.His1259Gln). This variant is present in population databases (rs149103761, gnomAD 0.003%). This variant has not been reported in the literature in individuals affected with MYH7-related conditions. Advanced modeling of protein sequence and biophysical properties (such as structural, functional, and spatial information, amino acid conservation, physicochemical variation, residue mobility, and thermodynamic stability) performed at Invitae indicates that this missense variant is not expected to disrupt MYH7 protein function with a negative predictive value of 95%. In summary, the available evidence is currently insufficient to determine the role of this variant in disease. Therefore, it has been classified as a Variant of Uncertain Significance.